The following is an entry in ClinVar:

ClinVar aggregate classification (germline): Conflicting classifications of pathogenicity. Review status: criteria provided, conflicting classifications (1 of 4 stars). 8 submissions from 7 submitters: Uncertain significance (7); Benign (1). Last evaluated 2026-01-17.

Conditions:
NF1-related disorder. Also called: NF1-related condition. Identifiers: MedGen CN379171.
Hereditary cancer-predisposing syndrome. Also called: Hereditary Cancer Syndrome; Neoplastic Syndromes, Hereditary; Tumor predisposition; Hereditary neoplastic syndrome. Identifiers: Orphanet 140162, MedGen C0027672, MeSH D009386, MONDO:0015356.
Cardiovascular phenotype. Identifiers: MedGen CN230736.
Neurofibromatosis, type 1 (NF1). Also called: NEUROFIBROMATOSIS, TYPE I, SOMATIC; VON RECKLINGHAUSEN DISEASE; Peripheral type neurofibromatosis; Neurofibromatosis, type I. Identifiers: Orphanet 636, MedGen C0027831, MONDO:0018975, OMIM 162200. Disease mechanism: loss of function.

Allele frequency attached by ClinVar (database versions not stated): gnomAD 0.00001 and 0.00002; gnomAD exomes 0.00001; ExAC 0.00002; TOPMed 0.00002; 1000 Genomes Project 30x 0.00047; 1000 Genomes Project below 0.00001.
gnomAD v4.1: 7 of 1,614,112 alleles (0.00043%); highest among the groups gnomAD compares: East Asian, 0.0022%; no homozygotes.

Submissions (8):

Labcorp Genetics (formerly Invitae), Labcorp
Classification: Benign for Neurofibromatosis, type 1. Last evaluated: 2026-01-17. Review status: criteria provided, single submitter. Criteria: Invitae Variant Classification Sherloc (09022015). Collection method: clinical testing. Allele origin: germline.

Ambry Genetics
Classification: Uncertain significance for Cardiovascular phenotype; Hereditary cancer-predisposing syndrome. Last evaluated: 2025-04-13. Review status: criteria provided, single submitter. Criteria: Ambry Variant Classification Scheme 2023. Collection method: clinical testing. Allele origin: germline.

Quest Diagnostics Nichols Institute San Juan Capistrano
Classification: Uncertain significance. Last evaluated: 2023-11-13. Review status: criteria provided, single submitter. Criteria: Quest Diagnostics criteria. Collection method: clinical testing. Allele origin: unknown.

Women's Health and Genetics/Laboratory Corporation of America, LabCorp
Classification: Uncertain significance. Last evaluated: 2023-10-02. Review status: criteria provided, single submitter. Criteria: LabCorp Variant Classification Summary - May 2015. Collection method: clinical testing. Allele origin: germline.
Comment: Variant summary: NF1 c.7024A>G (p.Ile2342Val) results in a conservative amino acid change in the encoded protein sequence. Four of five in-silico tools predict a benign effect of the variant on protein function. The variant allele was found at a frequency of 1.2e-05 in 251378 control chromosomes (gnomAD). The available data on variant occurrences in the general population are insufficient to allow any conclusion about variant significance. To our knowledge, no occurrence of c.7024A>G in individuals affected with Neurofibromatosis Type 1 and no experimental evidence demonstrating its impact on protein function have been reported. Four submitters have cited clinical-significance assessments for this variant to ClinVar after 2014. All submitters classified the variant as uncertain significance. Based on the evidence outlined above, the variant was classified as uncertain significance.

GeneDx
Classification: Uncertain significance. Last evaluated: 2023-01-19. Review status: criteria provided, single submitter. Criteria: GeneDx Variant Classification Process June 2021. Collection method: clinical testing. Allele origin: germline. Affected: yes.
Comment: In silico analysis supports that this missense variant does not alter protein structure/function; Has not been previously published as pathogenic or benign to our knowledge

PreventionGenetics, part of Exact Sciences
Classification: Uncertain significance for NF1-related condition. Last evaluated: 2022-08-24. Review status: criteria provided, single submitter. Criteria: ACMG Guidelines, 2015. Collection method: clinical testing. Allele origin: germline.
Comment: The NF1 c.7087A>G variant is predicted to result in the amino acid substitution p.Ile2363Val. To our knowledge, this variant has not been reported in the literature. This variant is reported in 0.0054% of alleles in individuals of East Asian descent in gnomAD. This variant is interpreted as uncertain significance in ClinVar. At this time, the clinical significance of this variant is uncertain due to the absence of conclusive functional and genetic evidence.

Genome-Nilou Lab
Classification: Uncertain significance for Neurofibromatosis, type 1. Last evaluated: 2022-03-15. Review status: criteria provided, single submitter. Criteria: ACMG Guidelines, 2015. Collection method: clinical testing. Allele origin: germline. Affected: no.

Ambry Genetics
Classification: Uncertain significance for Hereditary cancer-predisposing syndrome. Last evaluated: 2015-07-16. Review status: criteria provided, single submitter. Criteria: Ambry Autosomal Dominant and X-Linked criteria (10/2015). Collection method: clinical testing. Allele origin: germline. Observed: 1 variant allele.
Comment: Thep.I2363Vvariant (also known as c.7087A>G), located in coding exon 48 of theNF1gene, results from an A to G substitution at nucleotide position 7087. The isoleucine at codon 2363 is replaced by valine, an amino acid with highly similar properties. This variant was previously reported in the SNPDatabase as rs137966859. Based on data from the 1000 Genomes Project, the G allele has an overall frequency of approximately 0.05% (1/2098) total alleles studied. The highest observed frequency was 0.54% (1/184) Southern Han Chinese alleles.This variant was not reported in the NHLBI Exome Sequencing Project (ESP) population-based cohort.To date, this alteration has been detected with an allele frequency of approximately 0.01% (greater than 55000alleles tested) in our clinical cohort.Based on proteinsequence alignment, thisamino acid position is highly conserved in available vertebrate species. In addition, this alteration is predicted to be tolerated by in silico analysis.Since supporting evidence is limited at this time, the clinical significance ofp.I2363Vremains unclear.

Literature cited by the submitters: PubMed 28569743 (cited by Quest Diagnostics Nichols Institute San Juan Capistrano); PubMed 10678181 (cited by Women's Health and Genetics/Laboratory Corporation of America, LabCorp); PubMed 23460398 (cited by Women's Health and Genetics/Laboratory Corporation of America, LabCorp); PubMed 29872168 (cited by Women's Health and Genetics/Laboratory Corporation of America, LabCorp); PubMed 27069254 (cited by Women's Health and Genetics/Laboratory Corporation of America, LabCorp).

NM_001042492.3(NF1):c.7087A>G (p.Ile2363Val)

Gene: NF1 (neurofibromin 1; plus strand). Cytogenetic location: 17q11.2.
Variant type: single nucleotide variant.
Coding change: c.7087A>G on transcript NM_001042492.3 (MANE Select); coding-DNA position 7087, A replaced by G.
Protein change: p.Ile2363Val; replaces isoleucine 2363 with valine.
Molecular consequence: missense variant.
Genome position (GRCh38, 1-based): chr17:31,343,033, A>G. VCF-style: chr17-31343033-A-G. GRCh37 (hg19) VCF-style: chr17-29670051-A-G.
Other names: c.7024A>G, p.Ile2342Val (NM_000267.4); short protein forms I2342V, I2363V.
Identifiers: ClinVar variation 187685 (VCV000187685.17), dbSNP rs137966859, ClinGen allele CA198298.